The following is an entry in ClinVar:

ClinVar aggregate classification (germline): Uncertain significance. Review status: criteria provided, multiple submitters, no conflicts (2 of 4 stars). 2 submissions from 2 submitters: Uncertain significance (2). Last evaluated 2024-04-29.

Conditions:
POLD1-related polyposis and colorectal cancer syndrome (CRCS10). Also called: Colorectal cancer 10; COLORECTAL CANCER, SUSCEPTIBILITY TO, ON CHROMOSOME 19q; Colorectal cancer, susceptibility to, 10. Identifiers: Orphanet 220460, MedGen C2675481, MONDO:0012953, OMIM 612591.
Hereditary cancer-predisposing syndrome. Also called: Tumor predisposition; Neoplastic Syndromes, Hereditary; Hereditary Cancer Syndrome; Hereditary neoplastic syndrome. Identifiers: Orphanet 140162, MedGen C0027672, MeSH D009386, MONDO:0015356.

Submissions (2):

Labcorp Genetics (formerly Invitae), Labcorp
Classification: Uncertain significance for POLD1-related polyposis and colorectal cancer syndrome. Last evaluated: 2024-04-29. Review status: criteria provided, single submitter. Criteria: Invitae Variant Classification Sherloc (09022015). Collection method: clinical testing. Allele origin: germline.
Comment: This sequence change replaces cysteine, which is neutral and slightly polar, with tyrosine, which is neutral and polar, at codon 338 of the POLD1 protein (p.Cys338Tyr). This variant is not present in population databases (gnomAD no frequency). This variant has not been reported in the literature in individuals affected with POLD1-related conditions. ClinVar contains an entry for this variant (Variation ID: 2039748). Advanced modeling of protein sequence and biophysical properties (such as structural, functional, and spatial information, amino acid conservation, physicochemical variation, residue mobility, and thermodynamic stability) performed at Invitae indicates that this missense variant is not expected to disrupt POLD1 protein function with a negative predictive value of 80%. In summary, the available evidence is currently insufficient to determine the role of this variant in disease. Therefore, it has been classified as a Variant of Uncertain Significance.

Ambry Genetics
Classification: Uncertain significance for Hereditary cancer-predisposing syndrome. Last evaluated: 2023-01-22. Review status: criteria provided, single submitter. Criteria: Ambry Variant Classification Scheme 2023. Collection method: clinical testing. Allele origin: germline.
Comment: The p.C338Y variant (also known as c.1013G>A), located in coding exon 8 of the POLD1 gene, results from a G to A substitution at nucleotide position 1013. The cysteine at codon 338 is replaced by tyrosine, an amino acid with highly dissimilar properties. This amino acid position is conserved. In addition, this alteration is predicted to be tolerated by in silico analysis. Since supporting evidence is limited at this time, the clinical significance of this alteration remains unclear.

NM_002691.4(POLD1):c.1013G>A (p.Cys338Tyr)

Gene: POLD1 (DNA polymerase delta 1, catalytic subunit; plus strand). Cytogenetic location: 19q13.33.
Variant type: single nucleotide variant.
Coding change: c.1013G>A on transcript NM_002691.4 (MANE Select); coding-DNA position 1013, G replaced by A.
Protein change: p.Cys338Tyr; replaces cysteine 338 with tyrosine.
Molecular consequence: missense variant. On other transcripts: non-coding transcript variant (1).
Genome position (GRCh38, 1-based): chr19:50,403,095, G>A. VCF-style: chr19-50403095-G-A. GRCh37 (hg19) VCF-style: chr19-50906352-G-A.
Other names: c.1013G>A (NM_002691.2); c.1013G>A, p.Cys338Tyr (NM_001256849.1, NM_001308632.1); short protein forms C338Y.
Identifiers: ClinVar variation 2039748 (VCV002039748.6), dbSNP rs867375380, ClinGen allele CA406977972.